The following is an entry in ClinVar:

ClinVar aggregate classification (germline): Uncertain significance (1 of 4 stars; one submission).

Conditions:
Primary ciliary dyskinesia. Also called: Ciliary dyskinesia. Identifiers: Orphanet 244, MedGen C0008780, MONDO:0016575, HP:0012265.

gnomAD v4.1: 26 of 1,613,984 alleles (0.0016%); highest among the groups gnomAD compares: Non-Finnish European, 0.0022%; no homozygotes.

Submission:

Ambry Genetics
Classification: Uncertain significance for Primary ciliary dyskinesia. Last evaluated: 2025-04-11. Review status: criteria provided, single submitter. Criteria: Ambry Variant Classification Scheme 2023. Collection method: clinical testing. Allele origin: germline.
Comment: The p.L1302V variant (also known as c.3904C>G), located in coding exon 25 of the DNAH5 gene, results from a C to G substitution at nucleotide position 3904. The leucine at codon 1302 is replaced by valine, an amino acid with highly similar properties. This amino acid position is conserved. In addition, this alteration is predicted to be tolerated by in silico analysis. Based on the available evidence, the clinical significance of this variant remains unclear.

NM_001369.3(DNAH5):c.3904C>G (p.Leu1302Val)

Genes: DNAH5-AS1 (DNAH5 antisense RNA 1; plus strand), DNAH5 (dynein axonemal heavy chain 5; minus strand). Cytogenetic location: 5p15.2.
Variant type: single nucleotide variant.
Coding change: c.3904C>G on transcript NM_001369.3 (MANE Select); coding-DNA position 3904, C replaced by G.
Protein change: p.Leu1302Val; replaces leucine 1302 with valine.
Molecular consequence: missense variant.
Genome position (GRCh38, 1-based): chr5:13,867,923, G>C on the plus strand (C>G on the coding strand, the complement: DNAH5 is on the minus strand). VCF-style: chr5-13867923-G-C. GRCh37 (hg19) VCF-style: chr5-13868032-G-C.
Other names: short protein forms L1302V.
Identifiers: ClinVar variation 4013098 (VCV004013098.1).